The following is an entry in ClinVar:

NM_213655.5(WNK1):c.2362C>T (p.Arg788Cys)

Gene: WNK1 (WNK lysine deficient protein kinase 1; plus strand). Cytogenetic location: 12p13.33.
Variant type: single nucleotide variant.
Coding change: c.2362C>T on transcript NM_213655.5 (MANE Plus Clinical); coding-DNA position 2362, C replaced by T.
Protein change: p.Arg788Cys; replaces arginine 788 with cysteine.
Molecular consequence: missense variant. On other transcripts: intron variant (3).
Genome position (GRCh38, 1-based): chr12:865,332, C>T. VCF-style: chr12-865332-C-T. GRCh37 (hg19) VCF-style: chr12-974498-C-T.
Other names: p.Arg788Cys; c.2140-2534C>T (NM_001184985.2); c.2139+3062C>T (NM_018979.4, NM_014823.3); short protein forms R788C.
Identifiers: ClinVar variation 424999 (VCV000424999.63), dbSNP rs72649848, ClinGen allele CA6382147.

ClinVar aggregate classification (germline): Conflicting classifications of pathogenicity. Review status: criteria provided, conflicting classifications (1 of 4 stars). 9 submissions from 9 submitters: Uncertain significance (2); Likely benign (6). 1 of the submissions does not count toward it. Last evaluated 2026-07-01.

Conditions:
Pseudohypoaldosteronism type 2C (PHA2C). Also called: Pseudohypoaldosteronism Type IIC. Identifiers: Orphanet 757, Orphanet 88940, MedGen C1840391, MONDO:0013778, OMIM 614492.
Neuropathy, hereditary sensory and autonomic, type 2A (HSAN2A). Also called: HSAN IIA; WNK1-Related HSAN2 (HSAN2A); ACROOSTEOLYSIS, GIACCAI TYPE; ACROOSTEOLYSIS, NEUROGENIC; NEUROPATHY, CONGENITAL SENSORY; NEUROPATHY, HEREDITARY SENSORY RADICULAR, AUTOSOMAL RECESSIVE. Identifiers: Orphanet 970, MedGen C2752089, MONDO:0024309, OMIM 201300.
WNK1-related disorder. Also called: WNK1-related condition.
Inborn genetic diseases. Identifiers: MedGen C0950123, MeSH D030342.

Allele frequency attached by ClinVar (database versions not stated): 1000 Genomes Project 30x 0.00078; 1000 Genomes Project 0.00080; ExAC 0.00131; gnomAD exomes 0.00156; gnomAD 0.00170 and 0.00173; TOPMed 0.00182.
gnomAD v4.1: 4,342 of 1,536,122 alleles (0.28%); highest among the groups gnomAD compares: Non-Finnish European, 0.34%; 11 homozygotes.

Submissions (9):

CeGaT Center for Human Genetics Tuebingen
Classification: Likely benign. Last evaluated: 2026-07-01. Review status: criteria provided, single submitter. Criteria: CeGaT Center For Human Genetics Tuebingen Variant Classification Criteria Version 2. Collection method: clinical testing. Allele origin: germline. Affected: yes. Observed: 4 variant alleles.
Comment: WNK1: BP4

Women's Health and Genetics/Laboratory Corporation of America, LabCorp
Classification: Likely benign. Last evaluated: 2026-04-17. Review status: criteria provided, single submitter. Criteria: LabCorp Variant Classification Summary - May 2015. Collection method: clinical testing. Allele origin: germline.
Comment: Variant summary: WNK1 NM_213655.5 c.2362C>T (p.Arg788Cys) results in a non-conservative amino acid change in the encoded protein sequence. Algorithms developed to predict the effect of missense changes on protein structure and function are either unavailable or do not agree on the potential impact of this missense change. This variant, also annotated as NM_018979.4 WNK1 c.2139+3062C>T is located at a position not widely known to affect splicing. Consensus agreement among computation tools predicts no significant impact on normal splicing. However, these predictions have yet to be confirmed by functional studies. The variant allele was found at a frequency of 0.0028 in 1529220 control chromosomes in the gnomAD database, including 11 homozygotes. The observed variant frequency exceeds the estimated maximal expected allele frequency for disease-causing variants in WNK1. To our knowledge, no occurrence of c.2362C>T in individuals affected with WNK1-related conditions and no experimental evidence demonstrating its impact on protein function have been reported. ClinVar contains an entry for this variant (Variation ID: 424999). Based on the evidence outlined above, the variant was classified as likely benign.

Labcorp Genetics (formerly Invitae), Labcorp
Classification: Likely benign for Neuropathy, hereditary sensory and autonomic, type 2A; Pseudohypoaldosteronism type 2C. Last evaluated: 2026-02-03. Review status: criteria provided, single submitter. Criteria: Invitae Variant Classification Sherloc (09022015). Collection method: clinical testing. Allele origin: germline.

Mayo Clinic Laboratories, Mayo Clinic
Classification: Likely benign. Last evaluated: 2025-04-15. Review status: criteria provided, single submitter. Criteria: ACMG Guidelines, 2015. Collection method: clinical testing. Allele origin: germline. Observed: 2 variant alleles.
Comment: BS1, BP4

Blueprint Genetics
Classification: Uncertain significance. Last evaluated: 2024-11-15. Review status: criteria provided, single submitter. Criteria: ACMG Guidelines, 2015. Collection method: clinical testing. Allele origin: germline.

ARUP Laboratories, Molecular Genetics and Genomics, ARUP Laboratories
Classification: Likely benign. Last evaluated: 2023-12-08. Review status: criteria provided, single submitter. Criteria: ARUP Molecular Germline Variant Investigation Process 2024. Collection method: clinical testing. Allele origin: germline.

Ambry Genetics
Classification: Likely benign for Inborn genetic diseases. Last evaluated: 2021-11-02. Review status: criteria provided, single submitter. Criteria: Ambry Variant Classification Scheme 2023. Collection method: clinical testing. Allele origin: germline.

Baylor Genetics
Classification: Uncertain significance for Neuropathy, hereditary sensory and autonomic, type 2A. Last evaluated: 2018-11-19. Review status: criteria provided, single submitter. Criteria: ACMG Guidelines, 2015. Collection method: clinical testing. Allele origin: unknown. Affected: yes.
Comment: This variant was determined to be of uncertain significance according to ACMG Guidelines, 2015 [PMID:25741868].

PreventionGenetics, part of Exact Sciences
Classification: Likely benign for WNK1-related condition. Last evaluated: 2023-06-13. Review status: no assertion criteria provided. Collection method: clinical testing. Allele origin: germline. Not counted in ClinVar's aggregate classification.
Comment: This variant is classified as likely benign based on ACMG/AMP sequence variant interpretation guidelines (Richards et al. 2015 PMID: 25741868, with internal and published modifications).

Literature cited by the submitters: PubMed 28518168 (cited by Ambry Genetics); PubMed 32461654 (cited by Ambry Genetics).